The following is an entry in ClinVar:

NM_001083962.2(TCF4):c.991-142A>G

Gene: TCF4 (transcription factor 4; minus strand). Cytogenetic location: 18q21.2.
Variant type: single nucleotide variant.
Coding change: c.991-142A>G on transcript NM_001083962.2 (MANE Select); 142 bases into the intron before coding-DNA position 991, A replaced by G.
Molecular consequence: intron variant.
Genome position (GRCh38, 1-based): chr18:55,260,169, T>C on the plus strand (A>G on the coding strand, the complement: TCF4 is on the minus strand). VCF-style: chr18-55260169-T-C. GRCh37 (hg19) VCF-style: chr18-52927400-T-C.
Other names: NC_000018.9:g.52927400T>C; c.1297-142A>G (NM_001243226.3); c.916-142A>G (NM_001369584.1, NM_001369576.1, NM_001369585.1 and 3 more transcripts); c.919-142A>G (NM_001369577.1, NM_001369582.1, NM_001243227.2 and 9 more transcripts); c.991-142A>G (NM_001369571.1, NM_001369567.1, NM_001369572.1 and 4 more transcripts); c.1009-142A>G (NM_001243228.2); c.985-142A>G (NM_001243230.2); c.988-142A>G (NM_001369569.1, NM_001369573.1, NM_001369570.1); and 5 more.
Identifiers: ClinVar variation 672225 (VCV000672225.3), dbSNP rs35969244, ClinGen allele CA14562085.

ClinVar aggregate classification (germline): Benign. Review status: criteria provided, multiple submitters, no conflicts (2 of 4 stars). 2 submissions from 2 submitters: Benign (2). Last evaluated 2018-06-19.

Allele frequency attached by ClinVar (database versions not stated): 1000 Genomes Project 0.08546; 1000 Genomes Project 30x 0.08838; gnomAD exomes 0.09311; gnomAD 0.10078 and 0.10330; TOPMed 0.10635.
gnomAD v4.1: 65,195 of 684,884 alleles (9.5%); highest among the groups gnomAD compares: African/African-American, 13%; 3,672 homozygotes.

Submissions (6):

GeneDx
Classification: Benign. Last evaluated: 2018-06-19. Review status: criteria provided, single submitter. Criteria: GeneDx Variant Classification (06012015). Collection method: clinical testing. Allele origin: germline. Affected: yes.
Comment: This variant is considered likely benign or benign based on one or more of the following criteria: it is a conservative change, it occurs at a poorly conserved position in the protein, it is predicted to be benign by multiple in silico algorithms, and/or has population frequency not consistent with disease.

Breakthrough Genomics
Classification: Benign. Review status: criteria provided, single submitter. Criteria: ACMG Guidelines, 2015. Collection method: not provided. Allele origin: germline. Inheritance: Autosomal dominant inheritance. Affected: yes.

Dr. Peter K. Rogan Lab, Western University
No classification provided (evidence only). Condition: Acute myeloid leukemia. Review status: no classification provided. Collection method: in vitro. Allele origin: not applicable. Functional consequence: retained intron. Not counted in ClinVar's aggregate classification.

Dr. Peter K. Rogan Lab, Western University
No classification provided (evidence only). Condition: Thymoma. Review status: no classification provided. Collection method: in vitro. Allele origin: not applicable. Functional consequence: retained intron. Not counted in ClinVar's aggregate classification.

Dr. Peter K. Rogan Lab, Western University
No classification provided (evidence only). Condition: Thymoma. Review status: no classification provided. Collection method: in vitro. Allele origin: not applicable. Functional consequence: retained intron. Not counted in ClinVar's aggregate classification.

Dr. Peter K. Rogan Lab, Western University
No classification provided (evidence only). Condition: Thymoma. Review status: no classification provided. Collection method: in vitro. Allele origin: not applicable. Functional consequence: retained intron. Not counted in ClinVar's aggregate classification.